The following is an entry in ClinVar:

NM_181486.4(TBX5):c.338G>A (p.Arg113Lys)

Gene: TBX5 (T-box transcription factor 5; minus strand). Cytogenetic location: 12q24.21.
Variant type: single nucleotide variant.
Coding change: c.338G>A on transcript NM_181486.4 (MANE Select); coding-DNA position 338, G replaced by A.
Protein change: p.Arg113Lys; replaces arginine 113 with lysine.
Molecular consequence: missense variant.
Genome position (GRCh38, 1-based): chr12:114,399,537, C>T on the plus strand (G>A on the coding strand, the complement: TBX5 is on the minus strand). VCF-style: chr12-114399537-C-T. GRCh37 (hg19) VCF-style: chr12-114837342-C-T.
Other names: c.338G>A, p.Arg113Lys (NM_000192.3); c.188G>A, p.Arg63Lys (NM_080717.4); short protein forms R113K, R63K.
Identifiers: ClinVar variation 139591 (VCV000139591.2), dbSNP rs483353129, ClinGen allele CA232585.

ClinVar aggregate classification (germline): Pathogenic (0 of 4 stars; one submission).

Submission:

Dept of Molecular Genetics and Enzymology, National Research Centre
Classification: Pathogenic. Review status: no assertion criteria provided. Collection method: not provided. Allele origin: unknown.
Comment: Ventricular septal defect and pulmonary stenosis
ClinVar note: Converted during submission from pathogenic to Pathogenic.